The following is an entry in ClinVar:

ClinVar aggregate classification (germline): Likely pathogenic (1 of 4 stars; one submission).

Submission:

CeGaT Center for Human Genetics Tuebingen
Classification: Likely pathogenic. Last evaluated: 2026-03-01. Review status: criteria provided, single submitter. Criteria: CeGaT Center For Human Genetics Tuebingen Variant Classification Criteria Version 2. Collection method: clinical testing. Allele origin: germline. Affected: yes. Observed: 1 variant allele.
Comment: ASS1: PM2, PP4:Moderate, PM3:Supporting, PP3

NM_054012.4(ASS1):c.92T>G (p.Val31Gly)

Gene: ASS1 (argininosuccinate synthase 1; plus strand). Cytogenetic location: 9q34.11.
Variant type: single nucleotide variant.
Coding change: c.92T>G on transcript NM_054012.4 (MANE Select); coding-DNA position 92, T replaced by G.
Protein change: p.Val31Gly; replaces valine 31 with glycine.
Molecular consequence: missense variant.
Genome position (GRCh38, 1-based): chr9:130,452,320, T>G. VCF-style: chr9-130452320-T-G. GRCh37 (hg19) VCF-style: chr9-133327707-T-G.
Other names: c.92T>G, p.Val31Gly (NM_000050.4); short protein forms V31G.
Identifiers: ClinVar variation 4823778 (VCV004823778.4).